The following is an entry in ClinVar:

ClinVar aggregate classification (germline): Uncertain significance (1 of 4 stars; one submission).

Conditions:
RYR1-related disorder. Also called: RYR1-related condition; RYR1-related disorders. Identifiers: MedGen CN239331.

Submission:

Labcorp Genetics (formerly Invitae), Labcorp
Classification: Uncertain significance for RYR1-related disorder. Last evaluated: 2023-03-27. Review status: criteria provided, single submitter. Criteria: Invitae Variant Classification Sherloc (09022015). Collection method: clinical testing. Allele origin: germline.
Comment: This sequence change falls in intron 71 of the RYR1 gene. It does not directly change the encoded amino acid sequence of the RYR1 protein. It affects a nucleotide within the consensus splice site. In summary, the available evidence is currently insufficient to determine the role of this variant in disease. Therefore, it has been classified as a Variant of Uncertain Significance. Variants that disrupt the consensus splice site are a relatively common cause of aberrant splicing (PMID: 17576681, 9536098). Algorithms developed to predict the effect of sequence changes on RNA splicing suggest that this variant may create or strengthen a splice site. This variant has not been reported in the literature in individuals affected with RYR1-related conditions. This variant is not present in population databases (gnomAD no frequency).

Literature cited by the submitters: PubMed 17576681; PubMed 9536098.

NM_000540.3(RYR1):c.10626+5C>G

Gene: RYR1 (ryanodine receptor 1; plus strand). Cytogenetic location: 19q13.2.
Variant type: single nucleotide variant.
Coding change: c.10626+5C>G on transcript NM_000540.3 (MANE Select); 5 bases into the intron after coding-DNA position 10626, C replaced by G.
Molecular consequence: intron variant.
Genome position (GRCh38, 1-based): chr19:38,525,507, C>G. VCF-style: chr19-38525507-C-G. GRCh37 (hg19) VCF-style: chr19-39016147-C-G.
Other names: c.10611+5C>G (NM_001042723.2).
Identifiers: ClinVar variation 3021529 (VCV003021529.3), dbSNP rs2514478122, ClinGen allele CA2740096910.